The following is an entry in ClinVar:

NM_020832.3(ZNF687):c.1695C>G (p.His565Gln)

Gene: ZNF687 (zinc finger protein 687; plus strand). Cytogenetic location: 1q21.3.
Variant type: single nucleotide variant.
Coding change: c.1695C>G on transcript NM_020832.3 (MANE Select); coding-DNA position 1695, C replaced by G.
Protein change: p.His565Gln; replaces histidine 565 with glutamine.
Molecular consequence: missense variant.
Genome position (GRCh38, 1-based): chr1:151,287,986, C>G. VCF-style: chr1-151287986-C-G. GRCh37 (hg19) VCF-style: chr1-151260462-C-G.
Other names: c.1695C>G, p.His565Gln (NM_001304763.2, NM_001304764.2); c.1695C>G (NM_020832.1); short protein forms H565Q.
Identifiers: ClinVar variation 977102 (VCV000977102.7), dbSNP rs777840812, ClinGen allele CA29518932.

ClinVar aggregate classification (germline): Uncertain significance. Review status: criteria provided, multiple submitters, no conflicts (2 of 4 stars). 3 submissions from 3 submitters: Uncertain significance (3). Last evaluated 2025-05-28.

Conditions:
Paget disease of bone 6 (PDB6). Identifiers: MedGen C4085250, MONDO:0014792, OMIM 616833.

Allele frequency attached by ClinVar (database versions not stated): gnomAD exomes 0.00010 and 0.00004; gnomAD 0.00004; TOPMed 0.00004.

Submissions (3):

Ambry Genetics
Classification: Uncertain significance. Last evaluated: 2025-05-28. Review status: criteria provided, single submitter. Criteria: Ambry Variant Classification Scheme 2023. Collection method: clinical testing. Allele origin: germline.

Labcorp Genetics (formerly Invitae), Labcorp
Classification: Uncertain significance. Last evaluated: 2025-05-08. Review status: criteria provided, single submitter. Criteria: Invitae Variant Classification Sherloc (09022015). Collection method: clinical testing. Allele origin: germline.
Comment: This sequence change replaces histidine, which is basic and polar, with glutamine, which is neutral and polar, at codon 565 of the ZNF687 protein (p.His565Gln). This variant is present in population databases (rs777840812, gnomAD 0.007%). This variant has not been reported in the literature in individuals affected with ZNF687-related conditions. ClinVar contains an entry for this variant (Variation ID: 977102). An algorithm developed to predict the effect of missense changes on protein structure and function (PolyPhen-2) suggests that this variant is likely to be disruptive. In summary, the available evidence is currently insufficient to determine the role of this variant in disease. Therefore, it has been classified as a Variant of Uncertain Significance.

Johns Hopkins Genomics, Johns Hopkins University
Classification: Uncertain significance for Paget disease of bone 6. Last evaluated: 2020-07-02. Review status: criteria provided, single submitter. Criteria: ACMG Guidelines, 2015. Collection method: clinical testing. Allele origin: germline.
Comment: This ZNF687 variant (rs777840812) is rare (<0.1%) in a large population dataset (gnomAD:10/281976 total alleles; 0.004%; no homozygotes) and has not been reported in ClinVar nor the literature, to our knowledge. Of three bioinformatics tools queried, two predict that the substitution would be damaging, while one predicts that it would be tolerated. The histidine residue at this position is highly evolutionarily conserved across all species assessed. Due to insufficient evidence, we consider the clinical significance of c.1695C>G to be uncertain at this time.